The following is an entry in ClinVar:

ClinVar aggregate classification (germline): Uncertain significance (1 of 4 stars; one submission).

Conditions:
Pendred syndrome (PDS). Also called: THYROID DYSHORMONOGENESIS 2B; THYROID HORMONOGENESIS, GENETIC DEFECT IN, 2B; Pendred Syndrome (PDS); DEAFNESS WITH GOITER; GOITER-DEAFNESS SYNDROME; HYPOTHYROIDISM, CONGENITAL, DUE TO DYSHORMONOGENESIS, 2B. Identifiers: Orphanet 705, MedGen C0271829, MONDO:0010134, OMIM 274600.
Autosomal recessive nonsyndromic hearing loss 4 (DFNB4). Also called: NEUROSENSORY NONSYNDROMIC RECESSIVE DEAFNESS 4; Deafness, autosomal recessive 4, with enlarged vestibular aqueduct; Deafness, autosomal recessive 4; Enlarged vestibular aqueduct, digenic; Nonsyndromic enlarged vestibular aqueduct (NSEVA); DEAFNESS, AUTOSOMAL RECESSIVE 4, WITH ENLARGED VESTIBULAR AQUEDUCT, DIGENIC. Identifiers: Orphanet 90636, MedGen C3538946, MONDO:0010933, OMIM 600791.

Submission:

Juno Genomics, Hangzhou Juno Genomics, Inc
Classification: Uncertain significance for Autosomal recessive nonsyndromic hearing loss 4; Pendred syndrome. Review status: criteria provided, single submitter. Criteria: ACMG Guidelines, 2015. Collection method: clinical testing. Allele origin: germline. Affected: yes.
Comment: Absent from controls (or at extremely low frequency if recessive) in Genome Aggregation Database, Exome Sequencing Project, 1000 Genomes Project, or Exome Aggregation Consortium.;For recessive disorders, detected in trans with a pathogenic variant.;Co-segregation with disease in multiple affected family members in a gene definitively known to cause the disease.

NM_000441.2(SLC26A4):c.2030G>C (p.Arg677Pro)

Gene: SLC26A4 (solute carrier family 26 member 4; plus strand). Cytogenetic location: 7q22.3.
Variant type: single nucleotide variant.
Coding change: c.2030G>C on transcript NM_000441.2 (MANE Select); coding-DNA position 2030, G replaced by C.
Protein change: p.Arg677Pro; replaces arginine 677 with proline.
Molecular consequence: missense variant.
Genome position (GRCh38, 1-based): chr7:107,702,053, G>C. VCF-style: chr7-107702053-G-C. GRCh37 (hg19) VCF-style: chr7-107342498-G-C.
Other names: short protein forms R677P.
Identifiers: ClinVar variation 3382354 (VCV003382354.2).